The following is an entry in ClinVar:

NM_006218.4(PIK3CA):c.2846G>C (p.Arg949Pro)

Gene: PIK3CA (phosphatidylinositol-4,5-bisphosphate 3-kinase catalytic subunit alpha; plus strand). Cytogenetic location: 3q26.32.
Variant type: single nucleotide variant.
Coding change: c.2846G>C on transcript NM_006218.4 (MANE Select); coding-DNA position 2846, G replaced by C.
Protein change: p.Arg949Pro; replaces arginine 949 with proline.
Molecular consequence: missense variant.
Genome position (GRCh38, 1-based): chr3:179,230,286, G>C. VCF-style: chr3-179230286-G-C. GRCh37 (hg19) VCF-style: chr3-178948074-G-C.
Other names: short protein forms R949P.
Identifiers: ClinVar variation 4627618 (VCV004627618.1).

ClinVar aggregate classification (germline): Uncertain significance (1 of 4 stars; one submission).

Conditions:
Inborn genetic diseases. Identifiers: MedGen C0950123, MeSH D030342.

Submission:

Ambry Genetics
Classification: Uncertain significance for Inborn genetic diseases. Last evaluated: 2025-10-01. Review status: criteria provided, single submitter. Criteria: Ambry Variant Classification Scheme 2023. Collection method: clinical testing. Allele origin: germline.
Comment: The p.R949P variant (also known as c.2846G>C), located in coding exon 19 of the PIK3CA gene, results from a G to C substitution at nucleotide position 2846. The arginine at codon 949 is replaced by proline, an amino acid with dissimilar properties. This amino acid position is conserved. In addition, this alteration is predicted to be deleterious by in silico analysis. Based on the available evidence, the clinical significance of this variant remains unclear.